The following is an entry in ClinVar:

NM_015450.3(POT1):c.1300G>C (p.Val434Leu)

Gene: POT1 (protection of telomeres 1; minus strand). Cytogenetic location: 7q31.33.
Variant type: single nucleotide variant.
Coding change: c.1300G>C on transcript NM_015450.3 (MANE Select); coding-DNA position 1300, G replaced by C.
Protein change: p.Val434Leu; replaces valine 434 with leucine.
Molecular consequence: missense variant. On other transcripts: non-coding transcript variant (3).
Genome position (GRCh38, 1-based): chr7:124,841,042, C>G on the plus strand (G>C on the coding strand, the complement: POT1 is on the minus strand). VCF-style: chr7-124841042-C-G. GRCh37 (hg19) VCF-style: chr7-124481096-C-G.
Other names: c.907G>C, p.Val303Leu (NM_001042594.2); short protein forms V303L, V434L.
Identifiers: ClinVar variation 945264 (VCV000945264.12), dbSNP rs778955557, ClinGen allele CA369067004.

ClinVar aggregate classification (germline): Conflicting classifications of pathogenicity. Review status: criteria provided, conflicting classifications (1 of 4 stars). 3 submissions from 3 submitters: Uncertain significance (2); Likely benign (1). Last evaluated 2026-05-06.

Conditions:
Hereditary cancer-predisposing syndrome. Also called: Hereditary Cancer Syndrome; Neoplastic Syndromes, Hereditary; Tumor predisposition; Hereditary neoplastic syndrome. Identifiers: Orphanet 140162, MedGen C0027672, MeSH D009386, MONDO:0015356.
Tumor predisposition syndrome 3 (TPDS3). Also called: LONG TELOMERE SYNDROME, POT1-RELATED; POT1 Tumor Predisposition; Melanoma, cutaneous malignant, susceptibility to, 10; Glioma susceptibility 9. Identifiers: Orphanet 618, MedGen C4014476, MONDO:0014368, OMIM 615848.

Submissions (3):

Ambry Genetics
Classification: Likely benign for Hereditary cancer-predisposing syndrome. Last evaluated: 2026-05-06. Review status: criteria provided, single submitter. Criteria: Ambry Variant Classification Scheme 2023. Collection method: clinical testing. Allele origin: germline.

Labcorp Genetics (formerly Invitae), Labcorp
Classification: Uncertain significance for Tumor predisposition syndrome 3. Last evaluated: 2024-10-19. Review status: criteria provided, single submitter. Criteria: Invitae Variant Classification Sherloc (09022015). Collection method: clinical testing. Allele origin: germline.
Comment: This sequence change replaces valine, which is neutral and non-polar, with leucine, which is neutral and non-polar, at codon 434 of the POT1 protein (p.Val434Leu). This variant is not present in population databases (gnomAD no frequency). This variant has not been reported in the literature in individuals affected with POT1-related conditions. ClinVar contains an entry for this variant (Variation ID: 945264). Invitae Evidence Modeling of protein sequence and biophysical properties (such as structural, functional, and spatial information, amino acid conservation, physicochemical variation, residue mobility, and thermodynamic stability) indicates that this missense variant is not expected to disrupt POT1 protein function with a negative predictive value of 80%. In summary, the available evidence is currently insufficient to determine the role of this variant in disease. Therefore, it has been classified as a Variant of Uncertain Significance.

GeneDx
Classification: Uncertain significance. Last evaluated: 2023-07-31. Review status: criteria provided, single submitter. Criteria: GeneDx Variant Classification Process June 2021. Collection method: clinical testing. Allele origin: germline. Affected: yes.
Comment: Not observed at significant frequency in large population cohorts (gnomAD); In silico analysis supports that this missense variant does not alter protein structure/function; Has not been previously published as pathogenic or benign to our knowledge; This variant is associated with the following publications: (PMID: 26415585, 28393830)